The following is an entry in ClinVar:

NM_001267052.2(UNC45B):c.2140-8C>T

Gene: UNC45B (unc-45 myosin chaperone B; plus strand). Cytogenetic location: 17q12.
Variant type: single nucleotide variant.
Coding change: c.2140-8C>T on transcript NM_001267052.2 (MANE Select); 8 bases into the intron before coding-DNA position 2140, C replaced by T.
Molecular consequence: intron variant.
Genome position (GRCh38, 1-based): chr17:35,177,487, C>T. VCF-style: chr17-35177487-C-T. GRCh37 (hg19) VCF-style: chr17-33504506-C-T.
Other names: c.2140-8C>T (NM_001033576.2); c.2146-8C>T (NM_173167.3); c.1903-8C>T (NM_001308281.1).
Identifiers: ClinVar variation 3771491 (VCV003771491.13).

ClinVar aggregate classification (germline): Uncertain significance (1 of 4 stars; one submission).

gnomAD v4.1: 12 of 1,553,768 alleles (0.00077%); highest among the groups gnomAD compares: Middle Eastern, 0.05%; no homozygotes.

Submission:

CeGaT Center for Human Genetics Tuebingen
Classification: Uncertain significance. Last evaluated: 2025-02-01. Review status: criteria provided, single submitter. Criteria: CeGaT Center For Human Genetics Tuebingen Variant Classification Criteria Version 2. Collection method: clinical testing. Allele origin: germline. Affected: yes. Observed: 1 variant allele.
Comment: UNC45B: PM2, BP4